The following is an entry in ClinVar:

NM_000321.3(RB1):c.2504T>C (p.Ile835Thr)

Gene: RB1 (RB transcriptional corepressor 1; plus strand). Cytogenetic location: 13q14.2.
Variant type: single nucleotide variant.
Coding change: c.2504T>C on transcript NM_000321.3 (MANE Select); coding-DNA position 2504, T replaced by C.
Protein change: p.Ile835Thr; replaces isoleucine 835 with threonine.
Molecular consequence: missense variant.
Genome position (GRCh38, 1-based): chr13:48,473,374, T>C. VCF-style: chr13-48473374-T-C. GRCh37 (hg19) VCF-style: chr13-49047510-T-C.
Other names: c.2504T>C, p.Ile835Thr (NM_001407165.1); short protein forms I835T.
Identifiers: ClinVar variation 1792297 (VCV001792297.9), dbSNP rs776167810, ClinGen allele CA035927.

ClinVar aggregate classification (germline): Uncertain significance. Review status: criteria provided, multiple submitters, no conflicts (2 of 4 stars). 4 submissions from 4 submitters: Uncertain significance (4). Last evaluated 2024-07-11.

Conditions:
Hereditary cancer-predisposing syndrome. Also called: Hereditary Cancer Syndrome; Hereditary neoplastic syndrome; Tumor predisposition; Neoplastic Syndromes, Hereditary. Identifiers: Orphanet 140162, MedGen C0027672, MeSH D009386, MONDO:0015356.
Retinoblastoma (RB1). Also called: RETINOBLASTOMA, SOMATIC. Identifiers: Orphanet 790, MedGen C0035335, MeSH D012175, MONDO:0008380, OMIM 180200, HP:0009919. Disease mechanism: loss of function. Inheritance: Both sporadic and heritable forms are tested..

Allele frequency attached by ClinVar (database versions not stated): gnomAD exomes below 0.00001; ExAC 0.00001.
gnomAD v4.1: 4 of 1,569,270 alleles (0.00025%); highest among the groups gnomAD compares: South Asian, 0.0011%; no homozygotes.

Submissions (4):

Labcorp Genetics (formerly Invitae), Labcorp
Classification: Uncertain significance for Retinoblastoma. Last evaluated: 2024-07-11. Review status: criteria provided, single submitter. Criteria: Invitae Variant Classification Sherloc (09022015). Collection method: clinical testing. Allele origin: germline.
Comment: This sequence change replaces isoleucine, which is neutral and non-polar, with threonine, which is neutral and polar, at codon 835 of the RB1 protein (p.Ile835Thr). This variant is present in population databases (rs776167810, gnomAD 0.003%). This variant has not been reported in the literature in individuals affected with RB1-related conditions. ClinVar contains an entry for this variant (Variation ID: 1792297). Advanced modeling of protein sequence and biophysical properties (such as structural, functional, and spatial information, amino acid conservation, physicochemical variation, residue mobility, and thermodynamic stability) has been performed at Invitae for this missense variant, however the output from this modeling did not meet the statistical confidence thresholds required to predict the impact of this variant on RB1 protein function. RNA analysis performed to evaluate the impact of this missense change on mRNA splicing indicates it does not significantly alter splicing (Invitae). In summary, the available evidence is currently insufficient to determine the role of this variant in disease. Therefore, it has been classified as a Variant of Uncertain Significance.

Ambry Genetics
Classification: Uncertain significance for Hereditary cancer-predisposing syndrome. Last evaluated: 2024-03-06. Review status: criteria provided, single submitter. Criteria: Ambry Variant Classification Scheme 2023. Collection method: clinical testing. Allele origin: germline.
Comment: The p.I835T variant (also known as c.2504T>C), located in coding exon 24 of the RB1 gene, results from a T to C substitution at nucleotide position 2504. The isoleucine at codon 835 is replaced by threonine, an amino acid with similar properties. This amino acid position is highly conserved in available vertebrate species. In addition, this alteration is predicted to be deleterious by in silico analysis. Since supporting evidence is limited at this time, the clinical significance of this alteration remains unclear.

All of Us Research Program, National Institutes of Health
Classification: Uncertain significance for Retinoblastoma. Last evaluated: 2023-10-02. Review status: criteria provided, single submitter. Criteria: ACMG Guidelines, 2015. Collection method: clinical testing. Allele origin: germline. Inheritance: Autosomal dominant inheritance. Observed: 3 variant alleles, 3 heterozygotes.
Comment: This missense variant replaces isoleucine with threonine at codon 835 of the RB1 protein. Computational prediction suggests that this variant may have deleterious impact on protein structure and function (internally defined REVEL score threshold >= 0.7, PMID: 27666373). To our knowledge, functional studies have not been reported for this variant. This variant has not been reported in individuals affected with RB1-related disorders in the literature. This variant has been identified in 1/250632 chromosomes in the general population by the Genome Aggregation Database (gnomAD). The available evidence is insufficient to determine the role of this variant in disease conclusively. Therefore, this variant is classified as a Variant of Uncertain Significance.

This study involves interpretation of variants in research participants for the purpose of population health screening. Participant phenotype was not available at the time of variant classification. Additional details can be found in publication PMID: 35346344, PMCID: PMC8962531

GeneDx
Classification: Uncertain significance. Last evaluated: 2022-06-01. Review status: criteria provided, single submitter. Criteria: GeneDx Variant Classification Process June 2021. Collection method: clinical testing. Allele origin: germline. Affected: yes.
Comment: Not observed at significant frequency in large population cohorts (gnomAD); In silico analysis supports that this missense variant does not alter protein structure/function; Has not been previously published as pathogenic or benign to our knowledge; This variant is associated with the following publications: (PMID: 23516486)